The following is an entry in ClinVar:

NM_006612.6(KIF1C):c.2339G>A (p.Arg780Gln)

Gene: KIF1C (kinesin family member 1C; plus strand). Cytogenetic location: 17p13.2.
Variant type: single nucleotide variant.
Coding change: c.2339G>A on transcript NM_006612.6 (MANE Select); coding-DNA position 2339, G replaced by A.
Protein change: p.Arg780Gln; replaces arginine 780 with glutamine.
Molecular consequence: missense variant.
Genome position (GRCh38, 1-based): chr17:5,022,420, G>A. VCF-style: chr17-5022420-G-A. GRCh37 (hg19) VCF-style: chr17-4925715-G-A.
Other names: short protein forms R780Q.
Identifiers: ClinVar variation 2165926 (VCV002165926.7), dbSNP rs749770926, ClinGen allele CA8319272.
Genomic context (GRCh38, chr17:5,022,420, plus strand): 5'-CCCTGGCTGACTTCCGCCACGGGCGGGCTGAGATTGAGGCCCTGGCCGCCCTCAAGATGC[G>A]GGAGCTGTGTCGCACCTATGGCAAGCCAGACGGCCCCGGAGACGCCTGGAGGGCTGTGGC-3'
Protein context (NP_006603.2, residues 770-790): EIEALAALKM[Arg780Gln]ELCRTYGKPD

ClinVar aggregate classification (germline): Uncertain significance. Review status: criteria provided, multiple submitters, no conflicts (2 of 4 stars). 2 submissions from 2 submitters: Uncertain significance (2). Last evaluated 2022-07-23.

Conditions:
Spastic ataxia 2. Also called: Ataxia, spastic, 2, autosomal recessive. Identifiers: Orphanet 397946, MedGen C1969796, MONDO:0012651, OMIM 611302.

Allele frequency attached by ClinVar (database versions not stated): gnomAD 0.00002; TOPMed 0.00002.
gnomAD v4.1: 13 of 1,579,976 alleles (0.00082%); highest among the groups gnomAD compares: African/African-American, 0.0027%; no homozygotes.

Submissions (2):

Labcorp Genetics (formerly Invitae), Labcorp
Classification: Uncertain significance for Spastic ataxia 2. Last evaluated: 2022-07-23. Review status: criteria provided, single submitter. Criteria: Invitae Variant Classification Sherloc (09022015). Collection method: clinical testing. Allele origin: germline.
Comment: In summary, the available evidence is currently insufficient to determine the role of this variant in disease. Therefore, it has been classified as a Variant of Uncertain Significance. Algorithms developed to predict the effect of missense changes on protein structure and function are either unavailable or do not agree on the potential impact of this missense change (SIFT: "Deleterious"; PolyPhen-2: "Benign"; Align-GVGD: "Class C0"). This variant has not been reported in the literature in individuals affected with KIF1C-related conditions. The frequency data for this variant in the population databases is considered unreliable, as metrics indicate poor data quality at this position in the gnomAD database. This sequence change replaces arginine, which is basic and polar, with glutamine, which is neutral and polar, at codon 780 of the KIF1C protein (p.Arg780Gln).

Revvity Omics, Revvity
Classification: Uncertain significance for Spastic ataxia 2. Last evaluated: 2021-02-03. Review status: criteria provided, single submitter. Criteria: ACMG Guidelines, 2015. Collection method: clinical testing. Allele origin: germline.